The following is an entry in ClinVar:

ClinVar aggregate classification (germline): Uncertain significance (1 of 4 stars; one submission).

Conditions:
Juvenile polyposis syndrome (JPS). Identifiers: Orphanet 2929, MedGen C0345893, MONDO:0017380, OMIM 174900.

Submission:

Labcorp Genetics (formerly Invitae), Labcorp
Classification: Uncertain significance for Juvenile polyposis syndrome. Last evaluated: 2022-05-21. Review status: criteria provided, single submitter. Criteria: Invitae Variant Classification Sherloc (09022015). Collection method: clinical testing. Allele origin: germline.
Comment: This variant is not present in population databases (gnomAD no frequency). In summary, the available evidence is currently insufficient to determine the role of this variant in disease. Therefore, it has been classified as a Variant of Uncertain Significance. Variants that disrupt the consensus splice site are a relatively common cause of aberrant splicing (PMID: 17576681, 9536098). Algorithms developed to predict the effect of sequence changes on RNA splicing suggest that this variant is not likely to affect RNA splicing. This variant has not been reported in the literature in individuals affected with BMPR1A-related conditions. This sequence change falls in intron 10 of the BMPR1A gene. It does not directly change the encoded amino acid sequence of the BMPR1A protein. It affects a nucleotide within the consensus splice site.

Literature cited by the submitters: PubMed 17576681; PubMed 9536098.

NM_004329.3(BMPR1A):c.1166+4A>G

Gene: BMPR1A (bone morphogenetic protein receptor type 1A; plus strand). Cytogenetic location: 10q23.2.
Variant type: single nucleotide variant.
Coding change: c.1166+4A>G on transcript NM_004329.3 (MANE Select); 4 bases into the intron after coding-DNA position 1166, A replaced by G.
Molecular consequence: intron variant.
Genome position (GRCh38, 1-based): chr10:86,919,473, A>G. VCF-style: chr10-86919473-A-G. GRCh37 (hg19) VCF-style: chr10-88679230-A-G.
Identifiers: ClinVar variation 2064547 (VCV002064547.4), dbSNP rs2539624240, ClinGen allele CA2580082122.
Genomic context (GRCh38, chr10:86,919,473, plus strand): 5'-CAAGAAAAATGGGAGTTGCTGCATTGCTGACCTGGGCCTTGCTGTTAAATTCAACAGGTG[A>G]GTGGTTCTTTGCCCCACTGTTTTGAAATTATTTTAATTTCCAAAAGATATTTCCCTATTT-3'